The following is an entry in ClinVar:

NM_000891.3(KCNJ2):c.1102del (p.Leu368fs)

Gene: KCNJ2 (potassium inwardly rectifying channel subfamily J member 2; plus strand). Cytogenetic location: 17q24.3.
Variant type: Deletion.
Coding change: c.1102del on transcript NM_000891.3 (MANE Select); coding-DNA position 1102, one base deleted (C; older notation c.1102delC).
Protein change: p.Leu368fs; shifts the reading frame from leucine 368.
Molecular consequence: frameshift variant.
Genome position (GRCh38, 1-based): chr17:70,176,141, C deleted; the last of 2 consecutive C bases (chr17:70,176,140-70,176,141); deleting either gives the same sequence. VCF-style (leftmost placement, unchanged base first): chr17-70176139-TC-T. GRCh37 (hg19) VCF-style: chr17-68172280-TC-T.
Other names: c.1102delC (NM_000891.2); short protein forms L368fs.
Identifiers: ClinVar variation 569363 (VCV000569363.8), dbSNP rs1567823248, ClinGen allele CA891844315.

ClinVar aggregate classification (germline): Pathogenic (1 of 4 stars; one submission).

Conditions:
Andersen Tawil syndrome (LQT7). Also called: Potassium-sensitive periodic paralysis, ventricular ectopy, and dysmorphic features; ANDERSEN CARDIODYSRHYTHMIC PERIODIC PARALYSIS; Andersen Syndrome; LONG QT SYNDROME 7; PERIODIC PARALYSIS, POTASSIUM-SENSITIVE CARDIODYSRHYTHMIC TYPE. Identifiers: Orphanet 37553, MedGen C1563715, MONDO:0008222, OMIM 170390.
Short QT syndrome type 3. Identifiers: Orphanet 51083, MedGen C1865018, MONDO:0012314, OMIM 609622.

Submission:

Labcorp Genetics (formerly Invitae), Labcorp
Classification: Pathogenic for Short QT syndrome type 3; Andersen Tawil syndrome. Last evaluated: 2018-05-24. Review status: criteria provided, single submitter. Criteria: Invitae Variant Classification Sherloc (09022015). Collection method: clinical testing. Allele origin: germline.
Comment: For these reasons, this variant has been classified as Pathogenic. This sequence change results in a premature translational stop signal in the KCNJ2 gene (p.Leu368Serfs*39). While this is not anticipated to result in nonsense mediated decay, it is expected to disrupt the last 60 amino acids of the KCNJ2 protein. This variant is not present in population databases (ExAC no frequency). This variant has not been reported in the literature in individuals with KCNJ2-related disease. A different truncation (p.Ser369*) that lies downstream of this variant has been determined to be pathogenic (PMID: 21493816). This suggests that deletion of this region of the KCNJ2 protein is causative of disease.

Literature cited by the submitters: PubMed 21493816.